The following is an entry in ClinVar:

NM_000536.4(RAG2):c.1447G>A (p.Glu483Lys)

Gene: RAG2 (recombination activating 2; minus strand). Cytogenetic location: 11p12.
Variant type: single nucleotide variant.
Coding change: c.1447G>A on transcript NM_000536.4 (MANE Select); coding-DNA position 1447, G replaced by A.
Protein change: p.Glu483Lys; replaces glutamic acid 483 with lysine.
Molecular consequence: missense variant.
Genome position (GRCh38, 1-based): chr11:36,592,722, C>T on the plus strand (G>A on the coding strand, the complement: RAG2 is on the minus strand). VCF-style: chr11-36592722-C-T. GRCh37 (hg19) VCF-style: chr11-36614272-C-T.
Other names: c.1447G>A, p.Glu483Lys (NM_001243785.2, NM_001243786.2); c.1447G>A (NM_000536.3); short protein forms E483K.
Identifiers: ClinVar variation 1394125 (VCV001394125.9), dbSNP rs1204454135, ClinGen allele CA380140340.

ClinVar aggregate classification (germline): Uncertain significance. Review status: criteria provided, multiple submitters, no conflicts (2 of 4 stars). 2 submissions from 2 submitters: Uncertain significance (2). Last evaluated 2025-12-08.

Conditions:
Combined immunodeficiency with skin granulomas. Identifiers: Orphanet 157949, MedGen C2673536, MONDO:0009306, OMIM 233650.
Severe combined immunodeficiency, autosomal recessive, T cell-negative, B cell-negative, NK cell-positive. Also called: SCID, AR, T-cell negative, B-cell negative, NK cell-positive; Severe combined immunodeficiency due to complete RAG1/2 deficiency; SCID, T CELL-NEGATIVE, B CELL-NEGATIVE, NK CELL-POSITIVE. Identifiers: Orphanet 331206, MedGen C1832322, MONDO:0011086, OMIM 601457.
Inborn genetic diseases. Identifiers: MedGen C0950123, MeSH D030342.

Allele frequency attached by ClinVar (database versions not stated): gnomAD exomes below 0.00001.
gnomAD v4.1: 2 of 1,613,364 alleles (0.00012%); highest among the groups gnomAD compares: Non-Finnish European, 0.00017%; no homozygotes.

Submissions (2):

Ambry Genetics
Classification: Uncertain significance for Inborn genetic diseases. Last evaluated: 2025-12-08. Review status: criteria provided, single submitter. Criteria: Ambry Variant Classification Scheme 2023. Collection method: clinical testing. Allele origin: germline.

Labcorp Genetics (formerly Invitae), Labcorp
Classification: Uncertain significance for Combined immunodeficiency with skin granulomas; Severe combined immunodeficiency, autosomal recessive, T cell-negative, B cell-negative, NK cell-positive. Last evaluated: 2021-04-17. Review status: criteria provided, single submitter. Criteria: Invitae Variant Classification Sherloc (09022015). Collection method: clinical testing. Allele origin: germline.
Comment: In summary, the available evidence is currently insufficient to determine the role of this variant in disease. Therefore, it has been classified as a Variant of Uncertain Significance. Algorithms developed to predict the effect of missense changes on protein structure and function output the following: SIFT: "Tolerated"; PolyPhen-2: "Benign"; Align-GVGD: "Class C0". The lysine amino acid residue is found in multiple mammalian species, suggesting that this missense change does not adversely affect protein function. These predictions have not been confirmed by published functional studies and their clinical significance is uncertain. This variant has not been reported in the literature in individuals with RAG2-related conditions. This variant is not present in population databases (ExAC no frequency). This sequence change replaces glutamic acid with lysine at codon 483 of the RAG2 protein (p.Glu483Lys). The glutamic acid residue is moderately conserved and there is a small physicochemical difference between glutamic acid and lysine.